The following is an entry in ClinVar:

ClinVar aggregate classification (germline): Uncertain significance (1 of 4 stars; one submission).

Conditions:
Neurofibromatosis, type 1 (NF1). Also called: VON RECKLINGHAUSEN DISEASE; Neurofibromatosis, type I; Peripheral type neurofibromatosis; NEUROFIBROMATOSIS, TYPE I, SOMATIC. Identifiers: Orphanet 636, MedGen C0027831, MONDO:0018975, OMIM 162200. Disease mechanism: loss of function.

Submission:

Labcorp Genetics (formerly Invitae), Labcorp
Classification: Uncertain significance for Neurofibromatosis, type 1. Last evaluated: 2025-02-03. Review status: criteria provided, single submitter. Criteria: Invitae Variant Classification Sherloc (09022015). Collection method: clinical testing. Allele origin: germline.
Comment: This sequence change replaces threonine, which is neutral and polar, with isoleucine, which is neutral and non-polar, at codon 473 of the NF1 protein (p.Thr473Ile). This variant is not present in population databases (gnomAD no frequency). This variant has not been reported in the literature in individuals affected with NF1-related conditions. ClinVar contains an entry for this variant (Variation ID: 1524351). Invitae Evidence Modeling of protein sequence and biophysical properties (such as structural, functional, and spatial information, amino acid conservation, physicochemical variation, residue mobility, and thermodynamic stability) indicates that this missense variant is not expected to disrupt NF1 protein function with a negative predictive value of 95%. In summary, the available evidence is currently insufficient to determine the role of this variant in disease. Therefore, it has been classified as a Variant of Uncertain Significance.

NM_001042492.3(NF1):c.1418C>T (p.Thr473Ile)

Gene: NF1 (neurofibromin 1; plus strand). Cytogenetic location: 17q11.2.
Variant type: single nucleotide variant.
Coding change: c.1418C>T on transcript NM_001042492.3 (MANE Select); coding-DNA position 1418, C replaced by T.
Protein change: p.Thr473Ile; replaces threonine 473 with isoleucine.
Molecular consequence: missense variant.
Genome position (GRCh38, 1-based): chr17:31,214,476, C>T. VCF-style: chr17-31214476-C-T. GRCh37 (hg19) VCF-style: chr17-29541494-C-T.
Other names: c.1418C>T, p.Thr473Ile (NM_000267.4, NM_001128147.3); short protein forms T473I.
Identifiers: ClinVar variation 1524351 (VCV001524351.8), dbSNP rs2143958993, ClinGen allele CA399001466.
Genomic context (GRCh38, chr17:31,214,476, plus strand): 5'-TTATGTCTGATACCATGTTTTTGTTTTGTTTTTAGAGTCTTACATTTAAAGAAAAAGTAA[C>T]AAGCCTTAAATTTAAAGAAAAACCTACAGACCTGGAGACAAGAAGCTATAAGTATCTTCT-3'
Protein context (NP_001035957.1, residues 463-483): APSLTFKEKV[Thr473Ile]SLKFKEKPTD